The following is an entry in ClinVar:

NM_005883.3(APC2):c.2284C>G (p.Arg762Gly)

Gene: APC2 (APC regulator of Wnt signaling pathway 2; plus strand). Cytogenetic location: 19p13.3.
Variant type: single nucleotide variant.
Coding change: c.2284C>G on transcript NM_005883.3 (MANE Select); coding-DNA position 2284, C replaced by G.
Protein change: p.Arg762Gly; replaces arginine 762 with glycine.
Molecular consequence: missense variant.
Genome position (GRCh38, 1-based): chr19:1,465,585, C>G. VCF-style: chr19-1465585-C-G. GRCh37 (hg19) VCF-style: chr19-1465584-C-G.
Other names: c.2281C>G, p.Arg761Gly (NM_001351273.1); short protein forms R762G, R761G.
Identifiers: ClinVar variation 2034361 (VCV002034361.4), dbSNP rs1234994755, ClinGen allele CA403025442.
Genomic context (GRCh38, chr19:1,465,585, plus strand): 5'-CTGGAGAAGCAGGGCCCGCCGGCAGCCGAGGCCGCCACTAAGAAGCCGCTGCCGCCCCTG[C>G]GACACCTGGACGGCCTGGCCCAAGACTATGCTTCCGATTCGGGCTGCTTTGACGACGACG-3'
Protein context (NP_005874.1, residues 752-772): AATKKPLPPL[Arg762Gly]HLDGLAQDYA

ClinVar aggregate classification (germline): Uncertain significance (1 of 4 stars; one submission).

Allele frequency attached by ClinVar (database versions not stated): gnomAD 0.00001; gnomAD exomes below 0.00001.
gnomAD v4.1: 4 of 1,574,910 alleles (0.00025%); highest among the groups gnomAD compares: Admixed American, 0.0036%; no homozygotes.

Submission:

Labcorp Genetics (formerly Invitae), Labcorp
Classification: Uncertain significance. Last evaluated: 2025-10-13. Review status: criteria provided, single submitter. Criteria: Invitae Variant Classification Sherloc (09022015). Collection method: clinical testing. Allele origin: germline.
Comment: This sequence change replaces arginine, which is basic and polar, with glycine, which is neutral and non-polar, at codon 762 of the APC2 protein (p.Arg762Gly). The frequency data for this variant in the population databases is considered unreliable, as metrics indicate poor data quality at this position in the gnomAD database. This variant has not been reported in the literature in individuals affected with APC2-related conditions. ClinVar contains an entry for this variant (Variation ID: 2034361). Invitae Evidence Modeling of protein sequence and biophysical properties (such as structural, functional, and spatial information, amino acid conservation, physicochemical variation, residue mobility, and thermodynamic stability) indicates that this missense variant is expected to disrupt APC2 protein function with a positive predictive value of 80%. In summary, the available evidence is currently insufficient to determine the role of this variant in disease. Therefore, it has been classified as a Variant of Uncertain Significance.